The following is an entry in ClinVar:

ClinVar aggregate classification (germline): Uncertain significance (1 of 4 stars; one submission).

Conditions:
Surfactant metabolism dysfunction, pulmonary, 4 (SMDP4). Also called: PAP DUE TO CSF2RA DEFICIENCY; PULMONARY ALVEOLAR PROTEINOSIS, CONGENITAL, 4; CSF2RA DEFICIENCY. Identifiers: Orphanet 264675, MedGen C2677877, MONDO:0010424, OMIM 300770.

Allele frequency attached by ClinVar (database versions not stated): gnomAD 0.00001 and 0.00002; ExAC 0.00004; gnomAD exomes 0.00004; 1000 Genomes Project 0.00026; 1000 Genomes Project 30x 0.00042.
gnomAD v4.1: 26 of 1,613,982 alleles (0.0016%); highest among the groups gnomAD compares: Admixed American, 0.01%; no homozygotes.

Submission:

Labcorp Genetics (formerly Invitae), Labcorp
Classification: Uncertain significance for Surfactant metabolism dysfunction, pulmonary, 4. Last evaluated: 2022-08-23. Review status: criteria provided, single submitter. Criteria: Invitae Variant Classification Sherloc (09022015). Collection method: clinical testing. Allele origin: germline.
Comment: This sequence change replaces glutamic acid, which is acidic and polar, with lysine, which is basic and polar, at codon 375 of the CSF2RA protein (p.Glu375Lys). This variant is present in population databases (no rsID available, gnomAD 0.02%). This variant has not been reported in the literature in individuals affected with CSF2RA-related conditions. ClinVar contains an entry for this variant (Variation ID: 1444953). Algorithms developed to predict the effect of missense changes on protein structure and function are either unavailable or do not agree on the potential impact of this missense change (SIFT: "Deleterious"; PolyPhen-2: "Benign"; Align-GVGD: "Class C0"). In summary, the available evidence is currently insufficient to determine the role of this variant in disease. Therefore, it has been classified as a Variant of Uncertain Significance.

NM_172245.4(CSF2RA):c.1123G>A (p.Glu375Lys)

Gene: CSF2RA (colony stimulating factor 2 receptor subunit alpha; plus strand). Cytogenetic location: Xp22.33.
Variant type: single nucleotide variant.
Coding change: c.1123G>A on transcript NM_172245.4 (MANE Select); coding-DNA position 1123, G replaced by A.
Protein change: p.Glu375Lys; replaces glutamic acid 375 with lysine.
Molecular consequence: missense variant. On other transcripts: 3 prime UTR variant (5), non-coding transcript variant (1), intron variant (1).
Genome position (GRCh38, 1-based): chrX:1,305,525, G>A. VCF-style: chrX-1305525-G-A. GRCh37 (hg19) VCF-style: chrX-1424418-G-A.
Other names: c.1123G>A, p.Glu375Lys (NM_001161529.2, NM_001161531.2, NM_001379155.1 and 9 more transcripts); c.1225G>A, p.Glu409Lys (NM_001161530.2, NM_001379153.1, NM_001379154.1); c.724G>A, p.Glu242Lys (NM_001161532.2); c.1093G>A, p.Glu365Lys (NM_001379160.1); c.934G>A, p.Glu312Lys (NM_001379166.1); c.*24G>A (NM_001379167.1, NM_001379168.1, NM_001379169.1 and 2 more transcripts); c.947-3877G>A (NM_172246.4); short protein forms E312K, E242K, E375K, E409K, E365K.
Identifiers: ClinVar variation 1444953 (VCV001444953.6), dbSNP rs200259335, ClinGen allele CA10331194.